The following is an entry in ClinVar:

NM_020376.4(PNPLA2):c.1421C>T (p.Pro474Leu)

Gene: PNPLA2 (patatin like domain 2, triacylglycerol lipase; plus strand). Cytogenetic location: 11p15.5.
Variant type: single nucleotide variant.
Coding change: c.1421C>T on transcript NM_020376.4 (MANE Select); coding-DNA position 1421, C replaced by T.
Protein change: p.Pro474Leu; replaces proline 474 with leucine.
Molecular consequence: missense variant.
Genome position (GRCh38, 1-based): chr11:824,768, C>T. VCF-style: chr11-824768-C-T. GRCh37 (hg19) VCF-style: chr11-824768-C-T.
Other names: c.1421C>T (NM_020376.3); short protein forms P474L.
Identifiers: ClinVar variation 1992221 (VCV001992221.5), dbSNP rs1278507202, ClinGen allele CA378985583.

ClinVar aggregate classification (germline): Uncertain significance. Review status: criteria provided, multiple submitters, no conflicts (2 of 4 stars). 2 submissions from 2 submitters: Uncertain significance (2). Last evaluated 2025-08-09.

Conditions:
Inborn genetic diseases. Identifiers: MedGen C0950123, MeSH D030342.
Neutral lipid storage myopathy (NLSDM). Also called: NEUTRAL LIPID STORAGE DISEASE WITHOUT ICHTHYOSIS. Identifiers: Orphanet 98908, MedGen C1853136, MONDO:0012545, OMIM 610717.

Allele frequency attached by ClinVar (database versions not stated): gnomAD exomes 0.00001.

Submissions (2):

Ambry Genetics
Classification: Uncertain significance for Inborn genetic diseases. Last evaluated: 2025-08-09. Review status: criteria provided, single submitter. Criteria: Ambry Variant Classification Scheme 2023. Collection method: clinical testing. Allele origin: germline.

Labcorp Genetics (formerly Invitae), Labcorp
Classification: Uncertain significance for Neutral lipid storage myopathy. Last evaluated: 2022-07-06. Review status: criteria provided, single submitter. Criteria: Invitae Variant Classification Sherloc (09022015). Collection method: clinical testing. Allele origin: germline.
Comment: This sequence change replaces proline, which is neutral and non-polar, with leucine, which is neutral and non-polar, at codon 474 of the PNPLA2 protein (p.Pro474Leu). The frequency data for this variant in the population databases is considered unreliable, as metrics indicate poor data quality at this position in the gnomAD database. This variant has not been reported in the literature in individuals affected with PNPLA2-related conditions. Algorithms developed to predict the effect of missense changes on protein structure and function are either unavailable or do not agree on the potential impact of this missense change (SIFT: "Deleterious"; PolyPhen-2: "Benign"; Align-GVGD: "Class C0"). In summary, the available evidence is currently insufficient to determine the role of this variant in disease. Therefore, it has been classified as a Variant of Uncertain Significance.